The following is an entry in ClinVar:

ClinVar aggregate classification (germline): Uncertain significance (1 of 4 stars; one submission).

Submission:

Ambry Genetics
Classification: Uncertain significance. Last evaluated: 2024-10-15. Review status: criteria provided, single submitter. Criteria: Ambry Variant Classification Scheme 2023. Collection method: clinical testing. Allele origin: germline.
Comment: The p.D1011G variant (also known as c.3032A>G), located in coding exon 1 of the MLH3 gene, results from an A to G substitution at nucleotide position 3032. The aspartic acid at codon 1011 is replaced by glycine, an amino acid with similar properties. This amino acid position is conserved. In addition, this alteration is predicted to be tolerated by in silico analysis. Based on the available evidence, the clinical significance of this variant remains unclear.

NM_001040108.2(MLH3):c.3032A>G (p.Asp1011Gly)

Gene: MLH3 (mutL homolog 3; minus strand). Cytogenetic location: 14q24.3.
Variant type: single nucleotide variant.
Coding change: c.3032A>G on transcript NM_001040108.2 (MANE Select); coding-DNA position 3032, A replaced by G.
Protein change: p.Asp1011Gly; replaces aspartic acid 1011 with glycine.
Molecular consequence: missense variant.
Genome position (GRCh38, 1-based): chr14:75,046,624, T>C on the plus strand (A>G on the coding strand, the complement: MLH3 is on the minus strand). VCF-style: chr14-75046624-T-C. GRCh37 (hg19) VCF-style: chr14-75513327-T-C.
Other names: c.3032A>G, p.Asp1011Gly (NM_014381.3); short protein forms D1011G.
Identifiers: ClinVar variation 3396747 (VCV003396747.1).